The following is an entry in ClinVar:

ClinVar aggregate classification (germline): Uncertain significance. Review status: criteria provided, multiple submitters, no conflicts (2 of 4 stars). 2 submissions from 2 submitters: Uncertain significance (2). Last evaluated 2022-03-27.

Submissions (2):

Labcorp Genetics (formerly Invitae), Labcorp
Classification: Uncertain significance. Last evaluated: 2022-03-27. Review status: criteria provided, single submitter. Criteria: Invitae Variant Classification Sherloc (09022015). Collection method: clinical testing. Allele origin: germline.
Comment: This variant, c.579_580delinsCA, is a complex sequence change that results in the deletion of 2 and insertion of 2 amino acid(s) in the SERPINH1 protein (p.Glu193_Arg194delinsAspSer). Information on the frequency of this variant in the gnomAD database is not available, as this variant may be reported differently in the database. This variant has not been reported in the literature in individuals affected with SERPINH1-related conditions. ClinVar contains an entry for this variant (Variation ID: 195139). Experimental studies and prediction algorithms are not available or were not evaluated, and the functional significance of this variant is currently unknown. In summary, the available evidence is currently insufficient to determine the role of this variant in disease. Therefore, it has been classified as a Variant of Uncertain Significance.

Eurofins Ntd Llc (ga)
Classification: Uncertain significance. Last evaluated: 2015-03-10. Review status: criteria provided, single submitter. Criteria: EGL Classification Definitions 2015. Collection method: clinical testing. Allele origin: germline. Observed: 2 variant alleles, 2 heterozygotes.

NM_001235.5(SERPINH1):c.579_580delinsCA (p.Glu193_Arg194delinsAspSer)

Gene: SERPINH1 (serpin family H member 1; plus strand). Cytogenetic location: 11q13.5.
Variant type: Indel.
Coding change: c.579_580delinsCA on transcript NM_001235.5 (MANE Select); coding-DNA positions 579 to 580, GC replaced by CA.
Protein change: p.Glu193_Arg194delinsAspSer.
Molecular consequence: missense variant.
Genome position (GRCh38, 1-based): chr11:75,566,928-75,566,929, GC replaced by CA. VCF-style: chr11-75566928-GC-CA. GRCh37 (hg19) VCF-style: chr11-75277973-GC-CA.
Other names: c.579_580delinsCA, p.Glu193_Arg194delinsAspSer (NM_001207014.3).
Identifiers: ClinVar variation 195139 (VCV000195139.11), dbSNP rs797044674, ClinGen allele CA241422.